The following is an entry in ClinVar:

NM_001999.4(FBN2):c.644C>T (p.Pro215Leu)

Gene: FBN2 (fibrillin 2; minus strand). Cytogenetic location: 5q23.3.
Variant type: single nucleotide variant.
Coding change: c.644C>T on transcript NM_001999.4 (MANE Select); coding-DNA position 644, C replaced by T.
Protein change: p.Pro215Leu; replaces proline 215 with leucine.
Molecular consequence: missense variant.
Genome position (GRCh38, 1-based): chr5:128,464,906, G>A on the plus strand (C>T on the coding strand, the complement: FBN2 is on the minus strand). VCF-style: chr5-128464906-G-A. GRCh37 (hg19) VCF-style: chr5-127800599-G-A.
Other names: short protein forms P215L.
Identifiers: ClinVar variation 1303382 (VCV001303382.4), dbSNP rs2127084495, ClinGen allele CA360755835.
Genomic context (GRCh38, chr5:128,464,906, plus strand): 5'-GTGCAGACAATGCCTGTCAGCTGCCCTTGGCACATCTGGTTGTTGACCTGAGTGAAACAC[G>A]GGCCTGTCCTGTAATCTGGAATGTGGGAGAAGAAAGAAAGACAGGTTTTATGATCATATA-3'
Protein context (NP_001990.2, residues 205-225): PQCERDYRTG[Pro215Leu]CFTQVNNQMC

ClinVar aggregate classification (germline): Uncertain significance (1 of 4 stars; one submission).

Allele frequency attached by ClinVar (database versions not stated): gnomAD exomes below 0.00001.
gnomAD v4.1: 3 of 1,614,174 alleles (0.00019%); highest among the groups gnomAD compares: Admixed American, 0.0017%; no homozygotes.

Submission:

GeneDx
Classification: Uncertain significance. Last evaluated: 2025-01-06. Review status: criteria provided, single submitter. Criteria: GeneDx Variant Classification Process June 2021. Collection method: clinical testing. Allele origin: germline. Affected: yes.
Comment: Has not been previously published in association with an FBN2-related disorder as pathogenic or benign to our knowledge; Not observed at significant frequency in large population cohorts (gnomAD); In silico analysis supports that this missense variant has a deleterious effect on protein structure/function; This variant is associated with the following publications: (PMID: 33057194, 35982159)